The following is an entry in ClinVar:

NM_001194998.2(CEP152):c.3418G>T (p.Gly1140Ter)

Gene: CEP152 (centrosomal protein 152; minus strand). Cytogenetic location: 15q21.1.
Variant type: single nucleotide variant.
Coding change: c.3418G>T on transcript NM_001194998.2 (MANE Select); coding-DNA position 3418, G replaced by T.
Protein change: p.Gly1140Ter; replaces glycine 1140 with a stop codon.
Molecular consequence: nonsense.
Genome position (GRCh38, 1-based): chr15:48,752,397, C>A on the plus strand (G>T on the coding strand, the complement: CEP152 is on the minus strand). VCF-style: chr15-48752397-C-A. GRCh37 (hg19) VCF-style: chr15-49044594-C-A.
Other names: c.3418G>T, p.Gly1140Ter (NM_014985.4); short protein forms G1140*.
Identifiers: ClinVar variation 2843868 (VCV002843868.3), dbSNP rs2504570367, ClinGen allele CA392340542.

ClinVar aggregate classification (germline): Pathogenic (1 of 4 stars; one submission).

Submission:

Labcorp Genetics (formerly Invitae), Labcorp
Classification: Pathogenic. Last evaluated: 2023-03-08. Review status: criteria provided, single submitter. Criteria: Invitae Variant Classification Sherloc (09022015). Collection method: clinical testing. Allele origin: germline.
Comment: For these reasons, this variant has been classified as Pathogenic. This variant has not been reported in the literature in individuals affected with CEP152-related conditions. This variant is not present in population databases (gnomAD no frequency). This sequence change creates a premature translational stop signal (p.Gly1140*) in the CEP152 gene. It is expected to result in an absent or disrupted protein product. Loss-of-function variants in CEP152 are known to be pathogenic (PMID: 21131973).

Literature cited by the submitters: PubMed 21131973.